The following is an entry in ClinVar:

NM_004187.5(KDM5C):c.228G>A (p.Glu76=)

Gene: KDM5C (lysine demethylase 5C; minus strand). Cytogenetic location: Xp11.22.
Variant type: single nucleotide variant.
Coding change: c.228G>A on transcript NM_004187.5 (MANE Select); coding-DNA position 228, G replaced by A.
Protein change: p.Glu76=; no amino-acid change (glutamic acid 76 retained).
Molecular consequence: synonymous variant. On other transcripts: non-coding transcript variant (3), intron variant (1).
Genome position (GRCh38, 1-based): chrX:53,220,839, C>T on the plus strand (G>A on the coding strand, the complement: KDM5C is on the minus strand). VCF-style: chrX-53220839-C-T. GRCh37 (hg19) VCF-style: chrX-53250021-C-T.
Other names: c.228G>A, p.Glu76= (NM_001282622.3, NM_001353978.3, NM_001353979.2 and 3 more transcripts); c.151-2873G>A (NM_001146702.2).
Identifiers: ClinVar variation 2801446 (VCV002801446.3), dbSNP rs2519599152, ClinGen allele CA516411052.

ClinVar aggregate classification (germline): Uncertain significance (1 of 4 stars; one submission).

Conditions:
Spastic paraplegia. Identifiers: MedGen C0037772, HP:0001258.

Submission:

Labcorp Genetics (formerly Invitae), Labcorp
Classification: Uncertain significance for Spastic paraplegia. Last evaluated: 2024-05-15. Review status: criteria provided, single submitter. Criteria: Invitae Variant Classification Sherloc (09022015). Collection method: clinical testing. Allele origin: germline.
Comment: This sequence change affects codon 76 of the KDM5C mRNA. It is a 'silent' change, meaning that it does not change the encoded amino acid sequence of the KDM5C protein. This variant also falls at the last nucleotide of exon 2, which is part of the consensus splice site for this exon. This variant is not present in population databases (gnomAD no frequency). This variant has not been reported in the literature in individuals affected with KDM5C-related conditions. Variants that disrupt the consensus splice site are a relatively common cause of aberrant splicing (PMID: 17576681, 9536098). Algorithms developed to predict the effect of sequence changes on RNA splicing suggest that this variant may disrupt the consensus splice site. In summary, the available evidence is currently insufficient to determine the role of this variant in disease. Therefore, it has been classified as a Variant of Uncertain Significance.

Literature cited by the submitters: PubMed 17576681; PubMed 9536098.